The following is an entry in ClinVar:

NM_001267550.2(TTN):c.45322C>T (p.Arg15108Ter)

Genes: TTN (titin; minus strand), LOC126806427 (BRD4-independent group 4 enhancer GRCh37_chr2:179485777-179486976; plus strand). Cytogenetic location: 2q31.2.
Variant type: single nucleotide variant.
Coding change: c.45322C>T on transcript NM_001267550.2 (MANE Select); coding-DNA position 45322, C replaced by T.
Protein change: p.Arg15108Ter; replaces arginine 15108 with a stop codon.
Molecular consequence: nonsense.
Genome position (GRCh38, 1-based): chr2:178,621,502, G>A on the plus strand (C>T on the coding strand, the complement: TTN is on the minus strand). VCF-style: chr2-178621502-G-A. GRCh37 (hg19) VCF-style: chr2-179486229-G-A.
Other names: c.40399C>T, p.Arg13467Ter (NM_001256850.1); c.18127C>T, p.Arg6043Ter (NM_003319.4); c.37618C>T, p.Arg12540Ter (NM_133378.4); c.18502C>T, p.Arg6168Ter (NM_133432.3); c.18703C>T, p.Arg6235Ter (NM_133437.4); short protein forms R15108*, R12540*, R13467*, R6043*, R6168*, R6235*.
Identifiers: ClinVar variation 404655 (VCV000404655.11), dbSNP rs1060500405, ClinGen allele CA16610383.

ClinVar aggregate classification (germline): Pathogenic/Likely pathogenic. Review status: criteria provided, multiple submitters, no conflicts (2 of 4 stars). 4 submissions from 4 submitters: Pathogenic (1); Likely pathogenic (2). 1 of the submissions does not count toward it. Last evaluated 2025-10-26.

Conditions:
TTN-related disorder. Also called: TTN-related disorders; TTN-related condition; TTN-related disease.
Cardiovascular phenotype. Identifiers: MedGen CN230736.
Autosomal recessive limb-girdle muscular dystrophy type 2J (LGMDR10). Also called: Limb-girdle muscular dystrophy, type 2J; MUSCULAR DYSTROPHY, LIMB-GIRDLE, AUTOSOMAL RECESSIVE 10. Identifiers: Orphanet 140922, MedGen C1837342, MONDO:0012127, OMIM 608807.
Dilated cardiomyopathy 1G (CMD1G). Identifiers: Orphanet 154, MedGen C1858763, MONDO:0011400, OMIM 604145.

Allele frequency attached by ClinVar (database versions not stated): gnomAD exomes below 0.00001; gnomAD 0.00001.
gnomAD v4.1: 3 of 1,612,180 alleles (0.00019%); highest among the groups gnomAD compares: Non-Finnish European, 0.000085%; no homozygotes.

Submissions (4):

Labcorp Genetics (formerly Invitae), Labcorp
Classification: Likely pathogenic for Dilated cardiomyopathy 1G; Autosomal recessive limb-girdle muscular dystrophy type 2J. Last evaluated: 2025-10-26. Review status: criteria provided, single submitter. Criteria: Invitae Variant Classification Sherloc (09022015). Collection method: clinical testing. Allele origin: germline.
Comment: This sequence change creates a premature translational stop signal (p.Arg15108*) in the TTN gene. While this is not anticipated to result in nonsense mediated decay, it is expected to create a truncated TTN protein. This variant is not present in population databases (gnomAD no frequency). This variant has not been observed in the literature in individuals with autosomal recessive TTN-related conditions. This variant has been reported in individual(s) with dilated cardiomyopathy (PMID: 26084686, 30858397, 39844436); however, the role of the variant in this condition is currently unclear. ClinVar contains an entry for this variant (Variation ID: 404655). This variant is located in the I band of TTN (PMID: 25589632). Truncating variants in this region have been reported in individuals affected with autosomal recessive centronuclear myopathy (PMID: 23975875, internal data). Truncating variants in this region have also been identified in individuals affected with autosomal dominant dilated cardiomyopathy and/or cardio-related conditions (PMID: 27869827, 32964742, internal data). In summary, the currently available evidence indicates that the variant is pathogenic, but additional data are needed to prove that conclusively. Therefore, this variant has been classified as Likely Pathogenic.

Blueprint Genetics
Classification: Pathogenic for TTN-related disorders. Last evaluated: 2024-07-03. Review status: criteria provided, single submitter. Criteria: ACMG Guidelines, 2015. Collection method: clinical testing. Allele origin: germline. Affected: yes. Observed: 4 variant alleles.

Ambry Genetics
Classification: Likely pathogenic for Cardiovascular phenotype. Last evaluated: 2023-11-03. Review status: criteria provided, single submitter. Criteria: Ambry Variant Classification Scheme 2023. Collection method: clinical testing. Allele origin: germline.
Comment: The p.R6043* variant (also known as c.18127C>T), located in coding exon 72 of the TTN gene, results from a C to T substitution at nucleotide position 18127. This changes the amino acid from an arginine to a stop codon within coding exon 72. This exon is located in the I-band region of the N2-B isoform of the titin protein and is constitutively expressed in TTN transcripts (percent spliced in or PSI 100%). This variant (also referred to as NM_001267550:c.45322C>T, p.Arg15108*) has been detected in an individual from a dilated cardiomyopathy cohort (Akinrinade O et al. Eur Heart J, 2015 Sep;36:2327-37). This variant is considered to be rare based on population cohorts in the Genome Aggregation Database (gnomAD). This alteration is expected to result in loss of function by premature protein truncation or nonsense-mediated mRNA decay. While truncating variants in TTN are present in 1-3% of the general population, truncating variants in the A-band are the most common cause of dilated cardiomyopathy (DCM) (Herman DS et al. N. Engl. J. Med., 2012 Feb;366:619-28; Roberts AM et al. Sci Transl Med, 2015 Jan;7:270ra6). TTN truncating variants encoded in constitutive exons (PSI >90%) have been found to be significantly associated with DCM regardless of their position in titin (Schafer S et al. Nat. Genet., 2017 01;49:46-53). Based on the majority of available evidence to date, this variant is likely to be pathogenic.

Cardiogenetics and Myogenetics Molecular and Cellular Functional Unit, Aphp Sorbonne University-Hopital Pitie Salpetriere
Classification: Likely pathogenic for Dilated cardiomyopathy 1G. Last evaluated: 2024-01-06. Review status: no assertion criteria provided. Collection method: clinical testing. Allele origin: germline. Affected: yes. Not counted in ClinVar's aggregate classification.

Literature cited by the submitters: PubMed 26084686 (cited by Labcorp Genetics (formerly Invitae), Labcorp and Ambry Genetics); PubMed 30858397 (cited by Labcorp Genetics (formerly Invitae), Labcorp); PubMed 39844436 (cited by Labcorp Genetics (formerly Invitae), Labcorp); PubMed 25589632 (cited by Labcorp Genetics (formerly Invitae), Labcorp); PubMed 23975875 (cited by Labcorp Genetics (formerly Invitae), Labcorp); PubMed 27869827 (cited by Labcorp Genetics (formerly Invitae), Labcorp); PubMed 32964742 (cited by Labcorp Genetics (formerly Invitae), Labcorp).